The following is an entry in ClinVar:

NM_001378454.1(ALMS1):c.9897dup (p.Ser3300fs)

Gene: ALMS1 (ALMS1 centrosome and basal body associated protein; plus strand). Cytogenetic location: 2p13.1.
Variant type: Duplication.
Coding change: c.9897dup on transcript NM_001378454.1 (MANE Select); coding-DNA position 9897, one base duplicated (C; older notation c.9897dupC).
Protein change: p.Ser3300fs; shifts the reading frame from serine 3300.
Molecular consequence: frameshift variant.
Genome position (GRCh38, 1-based): chr2:73,534,939, C duplicated. VCF-style (leftmost placement, unchanged base first): chr2-73534938-G-GC. GRCh37 (hg19) VCF-style: chr2-73762065-G-GC.
Other names: c.9900dup, p.Ser3301fs (NM_015120.4); c.9900dupC (NM_015120.4); short protein forms S3301fs, S3300fs.
Identifiers: ClinVar variation 556350 (VCV000556350.13), dbSNP rs754702823, ClinGen allele CA1714803.

ClinVar aggregate classification (germline): Pathogenic. Review status: criteria provided, multiple submitters, no conflicts (2 of 4 stars). 3 submissions from 3 submitters: Pathogenic (2). 1 of the submissions does not count toward it. Last evaluated 2024-03-14.

Conditions:
ALMS1-related disorder. Also called: ALMS1-related condition.
Alstrom syndrome (ALMS). Identifiers: Orphanet 64, MedGen C0268425, MONDO:0008763, OMIM 203800.

Allele frequency attached by ClinVar (database versions not stated): gnomAD exomes 0.00001; ExAC 0.00002.

Submissions (3):

Labcorp Genetics (formerly Invitae), Labcorp
Classification: Pathogenic for Alstrom syndrome. Last evaluated: 2024-03-14. Review status: criteria provided, single submitter. Criteria: Invitae Variant Classification Sherloc (09022015). Collection method: clinical testing. Allele origin: germline.
Comment: This sequence change creates a premature translational stop signal (p.Ser3301Leufs*7) in the ALMS1 gene. It is expected to result in an absent or disrupted protein product. Loss-of-function variants in ALMS1 are known to be pathogenic (PMID: 17594715). This variant is present in population databases (rs754702823, gnomAD 0.002%). This premature translational stop signal has been observed in individual(s) with clinical features of Alstrom syndrome (PMID: 25846608, 31810438). This variant is also known as c.9894dupC. ClinVar contains an entry for this variant (Variation ID: 556350). For these reasons, this variant has been classified as Pathogenic.

Blueprint Genetics
Classification: Pathogenic for ALMS1-related disorders. Last evaluated: 2018-12-29. Review status: criteria provided, single submitter. Criteria: ACMG Guidelines, 2015. Collection method: clinical testing. Allele origin: germline. Affected: yes. Observed: 1 variant allele.

Counsyl
Classification: Likely pathogenic for Alstrom syndrome. Last evaluated: 2018-01-25. Review status: no assertion criteria provided. Collection method: clinical testing. Allele origin: unknown. Not counted in ClinVar's aggregate classification.

Literature cited by the submitters: PubMed 17594715 (cited by Labcorp Genetics (formerly Invitae), Labcorp); PubMed 25846608 (cited by Labcorp Genetics (formerly Invitae), Labcorp); PubMed 31810438 (cited by Labcorp Genetics (formerly Invitae), Labcorp).